The following is an entry in ClinVar:

ClinVar aggregate classification (germline): Likely benign. Review status: criteria provided, single submitter (1 of 4 stars). 2 submissions from 2 submitters: Likely benign (1). 1 of the submissions does not count toward it. Last evaluated 2024-11-25.

Conditions:
DNMBP-related disorder. Also called: DNMBP-related condition.

Allele frequency attached by ClinVar (database versions not stated): gnomAD exomes 0.00051; ExAC 0.00073; 1000 Genomes Project 0.00160; gnomAD 0.00187; TOPMed 0.00207; ESP Exome Variant Server 0.00208; 1000 Genomes Project 30x 0.00234.
gnomAD v4.1: 1,066 of 1,614,216 alleles (0.066%); highest among the groups gnomAD compares: African/African-American, 0.59%; no homozygotes.

Submissions (2):

Blueprint Genetics
Classification: Likely benign. Last evaluated: 2024-11-25. Review status: criteria provided, single submitter. Criteria: ACMG Guidelines, 2015. Collection method: clinical testing. Allele origin: germline.

PreventionGenetics, part of Exact Sciences
Classification: Likely benign for DNMBP-related condition. Last evaluated: 2019-10-28. Review status: no assertion criteria provided. Collection method: clinical testing. Allele origin: germline. Not counted in ClinVar's aggregate classification.
Comment: This variant is classified as likely benign based on ACMG/AMP sequence variant interpretation guidelines (Richards et al. 2015 PMID: 25741868, with internal and published modifications).

NM_015221.4(DNMBP):c.1778C>T (p.Ser593Leu)

Genes: DNMBP (dynamin binding protein; minus strand), DNMBP-AS1 (DNMBP antisense RNA 1; plus strand). Cytogenetic location: 10q24.2.
Variant type: single nucleotide variant.
Coding change: c.1778C>T on transcript NM_015221.4 (MANE Select); coding-DNA position 1778, C replaced by T.
Protein change: p.Ser593Leu; replaces serine 593 with leucine.
Molecular consequence: missense variant. On other transcripts: non-coding transcript variant (1).
Genome position (GRCh38, 1-based): chr10:99,955,696, G>A on the plus strand (C>T on the coding strand, the complement: DNMBP is on the minus strand). VCF-style: chr10-99955696-G-A. GRCh37 (hg19) VCF-style: chr10-101715453-G-A.
Other names: short protein forms S593L.
Identifiers: ClinVar variation 3035793 (VCV003035793.3), dbSNP rs111969797, ClinGen allele CA5645136.